The following is an entry in ClinVar:

ClinVar aggregate classification (germline): Uncertain significance (1 of 4 stars; one submission).

Allele frequency attached by ClinVar (database versions not stated): gnomAD exomes below 0.00001.

Submission:

GeneDx
Classification: Uncertain significance. Last evaluated: 2021-05-27. Review status: criteria provided, single submitter. Criteria: GeneDx Variant Classification Process June 2021. Collection method: clinical testing. Allele origin: germline. Affected: yes.
Comment: Not observed in large population cohorts (Lek et al., 2016); In-silico analysis, which includes splice predictors and evolutionary conservation, is inconclusive as to whether the variant alters gene splicing. In the absence of RNA/functional studies, the actual effect of this sequence change is unknown.; Has not been previously published as pathogenic or benign to our knowledge

NM_018117.12(WDR11):c.1473T>C (p.Gly491=)

Gene: WDR11 (WD repeat domain 11; plus strand). Cytogenetic location: 10q26.12.
Variant type: single nucleotide variant.
Coding change: c.1473T>C on transcript NM_018117.12 (MANE Select); coding-DNA position 1473, T replaced by C.
Protein change: p.Gly491=; no amino-acid change (glycine 491 retained).
Molecular consequence: synonymous variant.
Genome position (GRCh38, 1-based): chr10:120,873,840, T>C. VCF-style: chr10-120873840-T-C. GRCh37 (hg19) VCF-style: chr10-122633352-T-C.
Identifiers: ClinVar variation 1326659 (VCV001326659.2), dbSNP rs2133761593, ClinGen allele CA471650667.
Genomic context (GRCh38, chr10:120,873,840, plus strand): 5'-CTTGCAAAGTGCTGGAACTCCCACTGAATTAATGCTCTTCCATGATGTCATTTTGAAAGG[T>C]ACAAGTAATGGTTCTGTCCTGGTGTACCATCTCACCAGTGGTCTGCTACACAAAGAGTTA-3'
Protein context (NP_060587.8, residues 481-501): IKMYQPLLAV[Gly491=]TSNGSVLVYH